The following is an entry in ClinVar:

NC_000005.9:g.(?_138117614)_(138266634_?)dup

Genes: CTNNA1 (catenin alpha 1; plus strand), LRRTM2 (leucine rich repeat transmembrane neuronal 2; minus strand). Cytogenetic location: 5q31.2.
Variant type: Duplication.
Identifiers: ClinVar variation 1482237 (VCV001482237.4).

ClinVar aggregate classification (germline): Uncertain significance (1 of 4 stars; one submission).

Submission:

Labcorp Genetics (formerly Invitae), Labcorp
Classification: Uncertain significance. Last evaluated: 2020-12-19. Review status: criteria provided, single submitter. Criteria: Invitae Variant Classification Sherloc (09022015). Collection method: clinical testing. Allele origin: germline.
Comment: In summary, the available evidence is currently insufficient to determine the role of this variant in disease. Therefore, it has been classified as a Variant of Uncertain Significance. Experimental studies and prediction algorithms are not available or were not evaluated, and the functional significance of this variant is currently unknown. This variant has not been reported in the literature in individuals with CTNNA1-related conditions. This variant results in a copy number gain of the genomic region encompassing exon(s) 2-16 of the CTNNA1 gene. This region includes the initiator codon of the gene. The 5' end of this event is unknown as it extends beyond the assayed region for this gene and therefore may encompass additional genes. The 3' boundary is likely confined to intron 16 of the CTNNA1 gene. As the precise location of this event is unknown, it may be in tandem or it may be located elsewhere in the genome.